The following is an entry in ClinVar:

NM_153717.3(EVC):c.1198A>G (p.Ile400Val)

Gene: EVC (EvC ciliary complex subunit 1; plus strand). Cytogenetic location: 4p16.2.
Variant type: single nucleotide variant.
Coding change: c.1198A>G on transcript NM_153717.3 (MANE Select); coding-DNA position 1198, A replaced by G.
Protein change: p.Ile400Val; replaces isoleucine 400 with valine.
Molecular consequence: missense variant.
Genome position (GRCh38, 1-based): chr4:5,752,935, A>G. VCF-style: chr4-5752935-A-G. GRCh37 (hg19) VCF-style: chr4-5754662-A-G.
Other names: c.1198A>G, p.Ile400Val (NM_001306090.2, NM_001306092.2); short protein forms I400V.
Identifiers: ClinVar variation 3357432 (VCV003357432.1).

ClinVar aggregate classification (germline): Uncertain significance (0 of 4 stars; one submission).

Conditions:
EVC-related disorder. Also called: EVC-related disorders; EVC-related condition.

gnomAD v4.1: 7 of 1,614,118 alleles (0.00043%); highest among the groups gnomAD compares: Non-Finnish European, 0.00059%; no homozygotes.

Submission:

PreventionGenetics, part of Exact Sciences
Classification: Uncertain significance for EVC-related condition. Last evaluated: 2024-07-01. Review status: no assertion criteria provided. Collection method: clinical testing. Allele origin: germline.
Comment: The EVC c.1198A>G variant is predicted to result in the amino acid substitution p.Ile400Val. To our knowledge, this variant has not been reported in the literature. This variant is reported in 0.0054% of alleles in individuals of East Asian descent in gnomAD. At this time, the clinical significance of this variant is uncertain due to the absence of conclusive functional and genetic evidence.